The following is an entry in ClinVar:

NM_001349206.2(LPIN1):c.1044C>A (p.Ser348Arg)

Gene: LPIN1 (lipin 1; plus strand). Cytogenetic location: 2p25.1.
Variant type: single nucleotide variant.
Coding change: c.1044C>A on transcript NM_001349206.2 (MANE Select); coding-DNA position 1044, C replaced by A.
Protein change: p.Ser348Arg; replaces serine 348 with arginine.
Molecular consequence: missense variant. On other transcripts: non-coding transcript variant (1).
Genome position (GRCh38, 1-based): chr2:11,782,287, C>A. VCF-style: chr2-11782287-C-A. GRCh37 (hg19) VCF-style: chr2-11922413-C-A.
Other names: c.954C>A, p.Ser318Arg (NM_001261427.3); c.1191C>A, p.Ser397Arg (NM_001261428.3); c.936C>A, p.Ser312Arg (NM_001349199.2, NM_001349200.2, NM_001349201.2 and 1 more transcripts); c.1041C>A, p.Ser347Arg (NM_001349202.2, NM_001349203.2); c.1044C>A, p.Ser348Arg (NM_001349204.2, NM_001349205.2); c.1134C>A, p.Ser378Arg (NM_001349207.2); c.1083C>A, p.Ser361Arg (NM_001349208.2); short protein forms S318R, S397R, S361R, S378R, S312R, S347R, S348R.
Identifiers: ClinVar variation 1970805 (VCV001970805.5), dbSNP rs775088748, ClinGen allele CA345856340.

ClinVar aggregate classification (germline): Uncertain significance (1 of 4 stars; one submission).

gnomAD v4.1: 4 of 1,614,142 alleles (0.00025%); highest among the groups gnomAD compares: Admixed American, 0.0017%; no homozygotes.

Submission:

Labcorp Genetics (formerly Invitae), Labcorp
Classification: Uncertain significance. Last evaluated: 2022-04-12. Review status: criteria provided, single submitter. Criteria: Invitae Variant Classification Sherloc (09022015). Collection method: clinical testing. Allele origin: germline.
Comment: Algorithms developed to predict the effect of missense changes on protein structure and function are either unavailable or do not agree on the potential impact of this missense change (SIFT: "Deleterious"; PolyPhen-2: "Benign"; Align-GVGD: "Class C0"). In summary, the available evidence is currently insufficient to determine the role of this variant in disease. Therefore, it has been classified as a Variant of Uncertain Significance. This variant has not been reported in the literature in individuals affected with LPIN1-related conditions. This variant is not present in population databases (gnomAD no frequency). This sequence change replaces serine, which is neutral and polar, with arginine, which is basic and polar, at codon 312 of the LPIN1 protein (p.Ser312Arg).